The following is an entry in ClinVar:

NM_000257.4(MYH7):c.4441C>T (p.Leu1481Phe)

Genes: MHRT (myosin heavy chain associated RNA transcript; plus strand), MYH7 (myosin heavy chain 7; minus strand). Cytogenetic location: 14q11.2.
Variant type: single nucleotide variant.
Coding change: c.4441C>T on transcript NM_000257.4 (MANE Select); coding-DNA position 4441, C replaced by T.
Protein change: p.Leu1481Phe; replaces leucine 1481 with phenylalanine.
Molecular consequence: missense variant. On other transcripts: non-coding transcript variant (1).
Genome position (GRCh38, 1-based): chr14:23,417,231, G>A on the plus strand (C>T on the coding strand, the complement: MYH7 is on the minus strand). VCF-style: chr14-23417231-G-A. GRCh37 (hg19) VCF-style: chr14-23886440-G-A.
Other names: c.4441C>T (LRG_384t1); short protein forms L1481F.
Identifiers: ClinVar variation 429395 (VCV000429395.2), dbSNP rs767666398, ClinGen allele CA042274.

ClinVar aggregate classification (germline): Uncertain significance (1 of 4 stars; one submission).

Allele frequency attached by ClinVar (database versions not stated): ExAC 0.00001; gnomAD exomes below 0.00001.

Submission:

GeneDx
Classification: Uncertain significance. Last evaluated: 2017-05-05. Review status: criteria provided, single submitter. Criteria: GeneDx Variant Classification (06012015). Collection method: clinical testing. Allele origin: germline. Affected: yes.
Comment: The L1481F variant in the MYH7 gene has not been reported previously as a pathogenic variant, nor as a benign variant, to our knowledge. However, a different missense variant at the same residue, L1481P, was identified in a multi-generational family with distal myopathy type 1 (Lamont et al., 2014). The L1481F variant is not observed at a significant frequency in large population cohorts (Lek et al., 2016). The L1481F variant is a conservative amino acid substitution, which is not likely to impact secondary protein structure as these residues share similar properties. This substitution occurs at a position that is conserved across species, and in silico analysis predicts this variant is probably damaging to the protein structure/function. We interpret L1481F as a variant of uncertain significance.